The following is an entry in ClinVar:

ClinVar aggregate classification (germline): Uncertain significance (1 of 4 stars; one submission).

Conditions:
KCNA3-related neurodevelopmental disorder.

Submission:

Clinical Genomics Laboratory, Washington University in St. Louis
Classification: Uncertain significance for KCNA3-related neurodevelopmental disorder. Last evaluated: 2024-07-05. Review status: criteria provided, single submitter. Criteria: ACMG Guidelines, 2015. Collection method: clinical testing. Allele origin: germline.
Comment: The KCNA3 c.1315G>C (p.Val439Leu) variant, to our knowledge, has not been reported in the medical literature and is absent from the general population (gnomAD v.2.1.1), indicating it is not a common variant. Computational predictors indicate that the variant is damaging, evidence that correlates with impact to KCNA3 function. Additionally, this region of the protein is constrained for missense variation (gnomAD v2.1.1) and several missense variants in this region have been reported as associated with developmental and epileptic encephalopathy (Soldovieri MV et al., PMID: 37964487). Due to limited information, the clinical significance of this variant is uncertain.

NM_002232.5(KCNA3):c.1315G>C (p.Val439Leu)

Gene: KCNA3 (potassium voltage-gated channel subfamily A member 3; minus strand). Cytogenetic location: 1p13.3.
Variant type: single nucleotide variant.
Coding change: c.1315G>C on transcript NM_002232.5 (MANE Select); coding-DNA position 1315, G replaced by C.
Protein change: p.Val439Leu; replaces valine 439 with leucine.
Molecular consequence: missense variant.
Genome position (GRCh38, 1-based): chr1:110,673,495, C>G on the plus strand (G>C on the coding strand, the complement: KCNA3 is on the minus strand). VCF-style: chr1-110673495-C-G. GRCh37 (hg19) VCF-style: chr1-111216117-C-G.
Other names: short protein forms V439L.
Identifiers: ClinVar variation 3600525 (VCV003600525.1).
Genomic context (GRCh38, chr1:110,673,495, plus strand): 5'-TCTTGCCCCCTATGGTCACTGGGTGCATATCGCCGTAACCCACTGTTGTCATGGTTACCA[C>G]TGCCCACCAGAAGGCATCCGGGATGCTGCTGAAACCTGAAGTGGGGTCGTCTGCCTCGGC-3'
Protein context (NP_002223.3, residues 429-449): SSIPDAFWWA[Val439Leu]VTMTTVGYGD